The following is an entry in ClinVar:

NM_015338.6(ASXL1):c.2922C>A (p.Tyr974Ter)

Gene: ASXL1 (ASXL transcriptional regulator 1; plus strand). Cytogenetic location: 20q11.21.
Variant type: single nucleotide variant.
Coding change: c.2922C>A on transcript NM_015338.6 (MANE Select); coding-DNA position 2922, C replaced by A.
Protein change: p.Tyr974Ter; replaces tyrosine 974 with a stop codon.
Molecular consequence: nonsense.
Genome position (GRCh38, 1-based): chr20:32,435,634, C>A. VCF-style: chr20-32435634-C-A. GRCh37 (hg19) VCF-style: chr20-31023437-C-A.
Other names: c.2739C>A, p.Tyr913Ter (NM_001363734.1); short protein forms Y974*, Y913*.
Identifiers: ClinVar variation 265675 (VCV000265675.2), dbSNP rs886039722, ClinGen allele CA10588697.

ClinVar aggregate classification (germline): Pathogenic (1 of 4 stars; one submission).

Submission:

GeneDx
Classification: Pathogenic. Last evaluated: 2016-08-18. Review status: criteria provided, single submitter. Criteria: GeneDx Variant Classification (06012015). Collection method: clinical testing. Allele origin: germline. Affected: yes.
Comment: The Y974X pathogenic variant in the ASXL1 gene has not been reported previously as a pathogenicvariant nor as a benign variant, to our knowledge. This variant is predicted to cause loss of normalprotein function through protein truncation. The Y974X variant was not observed in approximately6500 individuals of European and African American ancestry in the NHLBI Exome SequencingProject, indicating it is not a common benign variant in these populations. We interpret Y974X as apathogenic variant.